The following is an entry in ClinVar:

ClinVar aggregate classification (germline): Uncertain significance (1 of 4 stars; one submission).

Submission:

GeneDx
Classification: Uncertain significance. Last evaluated: 2026-03-28. Review status: criteria provided, single submitter. Criteria: GeneDx Variant Classification Process June 2021. Collection method: clinical testing. Allele origin: germline.
Comment: Frameshift variant predicted to result in protein truncation or nonsense mediated decay in a gene or region of a gene for which loss of function is not a well-established mechanism of disease; Has not been previously published as pathogenic or benign to our knowledge

NM_032590.5(KDM2B):c.77dup (p.Lys27fs)

Genes: KDM2B (lysine demethylase 2B; minus strand), KDM2B-DT (KDM2B divergent transcript; plus strand). Cytogenetic location: 12q24.31.
Variant type: Duplication.
Coding change: c.77dup on transcript NM_032590.5 (MANE Select); coding-DNA position 77, one base duplicated (A; older notation c.77dupA).
Protein change: p.Lys27fs; shifts the reading frame from lysine 27.
Molecular consequence: frameshift variant. On other transcripts: intron variant (3), non-coding transcript variant (1).
Genome position (GRCh38, 1-based): chr12:121,580,835, T duplicated on the plus strand (A on the coding strand, the reverse complement: KDM2B is on the minus strand); the first of 7 consecutive T bases (chr12:121,580,835-121,580,841); duplicating any one gives the same sequence. VCF-style (leftmost placement, unchanged base first): chr12-121580834-C-CT. GRCh37 (hg19) VCF-style: chr12-122018739-C-CT.
Other names: c.63+189dup (NM_001439029.1, NM_001439023.1, NM_001439022.1); c.77dup, p.Lys27fs (NM_001439018.1, NM_001439016.1, NM_001439017.1); short protein forms K27fs.
Identifiers: ClinVar variation 5017245 (VCV005017245.1).